The following is an entry in ClinVar:

NM_001127671.2(LIFR):c.1876del (p.Ile626fs)

Gene: LIFR (LIF receptor subunit alpha; minus strand). Cytogenetic location: 5p13.1.
Variant type: Deletion.
Coding change: c.1876del on transcript NM_001127671.2 (MANE Select); coding-DNA position 1876, one base deleted (A; older notation c.1876delA).
Protein change: p.Ile626fs; shifts the reading frame from isoleucine 626.
Molecular consequence: frameshift variant.
Genome position (GRCh38, 1-based): chr5:38,496,391, T deleted on the plus strand (A on the coding strand, the reverse complement: LIFR is on the minus strand); the first of 3 consecutive T bases (chr5:38,496,391-38,496,393); deleting any one gives the same sequence. VCF-style (leftmost placement, unchanged base first): chr5-38496390-AT-A. GRCh37 (hg19) VCF-style: chr5-38496492-AT-A.
Other names: c.1876del, p.Ile626fs (NM_001364297.2, NM_001364298.2, NM_002310.6); short protein forms I626fs.
Identifiers: ClinVar variation 2709595 (VCV002709595.3), dbSNP rs2531000229, ClinGen allele CA2697547143.
Genomic context (GRCh38, chr5:38,496,390, plus strand): 5'-TTTCTCACTTTAGTTTCCCGTTCTTATATACTAAATCATCTCAAGCACTCACCATTTGGA[AT>A]TTCCATACTCGCTATTTTGGAAGGTGGTGATGAGCCCACAGAATTTTTAGCCACTACGCT-3'

ClinVar aggregate classification (germline): Pathogenic (1 of 4 stars; one submission).

Submission:

Labcorp Genetics (formerly Invitae), Labcorp
Classification: Pathogenic. Last evaluated: 2024-01-16. Review status: criteria provided, single submitter. Criteria: Invitae Variant Classification Sherloc (09022015). Collection method: clinical testing. Allele origin: germline.
Comment: This sequence change creates a premature translational stop signal (p.Ile626Phefs*8) in the LIFR gene. It is expected to result in an absent or disrupted protein product. Loss-of-function variants in LIFR are known to be pathogenic (PMID: 14740318). This variant is not present in population databases (gnomAD no frequency). This variant has not been reported in the literature in individuals affected with LIFR-related conditions. For these reasons, this variant has been classified as Pathogenic.

Literature cited by the submitters: PubMed 14740318.